The following is an entry in ClinVar:

NM_007254.4(PNKP):c.1189-10G>A

Gene: PNKP (polynucleotide kinase 3'-phosphatase; minus strand). Cytogenetic location: 19q13.33.
Variant type: single nucleotide variant.
Coding change: c.1189-10G>A on transcript NM_007254.4 (MANE Select); 10 bases into the intron before coding-DNA position 1189, G replaced by A.
Molecular consequence: intron variant.
Genome position (GRCh38, 1-based): chr19:49,861,891, C>T on the plus strand (G>A on the coding strand, the complement: PNKP is on the minus strand). VCF-style: chr19-49861891-C-T. GRCh37 (hg19) VCF-style: chr19-50365148-C-T.
Identifiers: ClinVar variation 681090 (VCV000681090.1), dbSNP rs1458942967, ClinGen allele CA633894557.

ClinVar aggregate classification (germline): Likely benign (1 of 4 stars; one submission).

Allele frequency attached by ClinVar (database versions not stated): TOPMed below 0.00001.

Submission:

GeneDx
Classification: Likely benign. Last evaluated: 2018-03-22. Review status: criteria provided, single submitter. Criteria: GeneDx Variant Classification (06012015). Collection method: clinical testing. Allele origin: germline. Affected: yes.
Comment: This variant is considered likely benign or benign based on one or more of the following criteria: it is a conservative change, it occurs at a poorly conserved position in the protein, it is predicted to be benign by multiple in silico algorithms, and/or has population frequency not consistent with disease.